The following is an entry in ClinVar:

ClinVar aggregate classification (germline): Uncertain significance (1 of 4 stars; one submission).

Submission:

Labcorp Genetics (formerly Invitae), Labcorp
Classification: Uncertain significance. Last evaluated: 2022-07-12. Review status: criteria provided, single submitter. Criteria: Invitae Variant Classification Sherloc (09022015). Collection method: clinical testing. Allele origin: germline.
Comment: In summary, the available evidence is currently insufficient to determine the role of this variant in disease. Therefore, it has been classified as a Variant of Uncertain Significance. Experimental studies and prediction algorithms are not available or were not evaluated, and the functional significance of this variant is currently unknown. ClinVar contains an entry for this variant (Variation ID: 1378993). This variant has not been reported in the literature in individuals affected with FSCN2-related conditions. This variant is not present in population databases (gnomAD no frequency). This sequence change results in a frameshift in the FSCN2 gene (p.Leu500Argfs*25). While this is not anticipated to result in nonsense mediated decay, it is expected to disrupt the last 17 amino acid(s) of the FSCN2 protein and extend the protein by 7 additional amino acid residues.

NM_012418.4(FSCN2):c.1427_1437del (p.Leu476fs)

Gene: FSCN2 (fascin actin-bundling protein 2, retinal; plus strand). Cytogenetic location: 17q25.3.
Variant type: Deletion.
Coding change: c.1427_1437del on transcript NM_012418.4 (MANE Select); coding-DNA positions 1427 to 1437, 11 bases deleted (TGCTGCGGGCC).
Protein change: p.Leu476fs; shifts the reading frame from leucine 476.
Molecular consequence: frameshift variant.
Genome position (GRCh38, 1-based): chr17:81,537,028-81,537,038, TGCTGCGGGCC deleted; deleting any 11 consecutive bases within chr17:81,537,022-81,537,038 gives the same sequence; the c. name uses the placement nearest the transcript's 3' end. VCF-style (leftmost placement, unchanged base first): chr17-81537021-TCGGGCCTGCTG-T. GRCh37 (hg19) VCF-style: chr17-79504047-TCGGGCCTGCTG-T.
Other names: c.1499_1509del, p.Leu500fs (NM_001077182.3); short protein forms L500fs, L476fs.
Identifiers: ClinVar variation 1378993 (VCV001378993.6), dbSNP rs2143909723, ClinGen allele CA2573154994.